The following is an entry in ClinVar:

NM_020774.4(MIB1):c.253T>C (p.Cys85Arg)

Gene: MIB1 (MIB E3 ubiquitin protein ligase 1; plus strand). Cytogenetic location: 18q11.2.
Variant type: single nucleotide variant.
Coding change: c.253T>C on transcript NM_020774.4 (MANE Select); coding-DNA position 253, T replaced by C.
Protein change: p.Cys85Arg; replaces cysteine 85 with arginine.
Molecular consequence: missense variant.
Genome position (GRCh38, 1-based): chr18:21,765,795, T>C. VCF-style: chr18-21765795-T-C. GRCh37 (hg19) VCF-style: chr18-19345756-T-C.
Other names: short protein forms C85R.
Identifiers: ClinVar variation 4054642 (VCV004054642.1).

ClinVar aggregate classification (germline): Uncertain significance (1 of 4 stars; one submission).

Conditions:
Inborn genetic diseases. Identifiers: MedGen C0950123, MeSH D030342.

gnomAD v4.1: 2 of 1,614,052 alleles (0.00012%); highest among the groups gnomAD compares: Non-Finnish European, 0.00017%; no homozygotes.

Submission:

Ambry Genetics
Classification: Uncertain significance for Inborn genetic diseases. Last evaluated: 2025-04-10. Review status: criteria provided, single submitter. Criteria: Ambry Variant Classification Scheme 2023. Collection method: clinical testing. Allele origin: germline.
Comment: The p.C85R variant (also known as c.253T>C), located in coding exon 2 of the MIB1 gene, results from a T to C substitution at nucleotide position 253. The cysteine at codon 85 is replaced by arginine, an amino acid with highly dissimilar properties. This amino acid position is conserved. In addition, this alteration is predicted to be deleterious by in silico analysis. Based on the available evidence, the clinical significance of this variant remains unclear.